The following is an entry in ClinVar:

NM_012282.4(KCNE5):c.254G>A (p.Arg85His)

Gene: KCNE5 (potassium voltage-gated channel subfamily E regulatory subunit 5; minus strand). Cytogenetic location: Xq23.
Variant type: single nucleotide variant.
Coding change: c.254G>A on transcript NM_012282.4 (MANE Select); coding-DNA position 254, G replaced by A.
Protein change: p.Arg85His; replaces arginine 85 with histidine.
Molecular consequence: missense variant.
Genome position (GRCh38, 1-based): chrX:109,624,767, C>T on the plus strand (G>A on the coding strand, the complement: KCNE5 is on the minus strand). VCF-style: chrX-109624767-C-T. GRCh37 (hg19) VCF-style: chrX-108867996-C-T.
Other names: short protein forms R85H.
Identifiers: ClinVar variation 2712325 (VCV002712325.3), dbSNP rs750897913, ClinGen allele CA10490869.
Genomic context (GRCh38, chrX:109,624,767, plus strand): 5'-GGGGCCCATTCGTGCTCGGCGCAAGCCTGGGACGGCTCGTCCTTGGCCTCGACGAGCTTA[C>T]GGGAGCGGGTGTAGGCCAGGATGAGGCCTCCGGCCAAGCAGGCGTAGAAGATCATGATGA-3'
Protein context (NP_036414.1, residues 75-95): GGLILAYTRS[Arg85His]KLVEAKDEPS

ClinVar aggregate classification (germline): Uncertain significance (1 of 4 stars; one submission).

Conditions:
Brugada syndrome. Also called: Sudden unexpected nocturnal death syndrome; Sudden Unexplained Death Syndrome; Sudden Unexplained Nocturnal Death Syndrome (SUNDS); Sudden unexplained nocturnal death syndrome. Identifiers: Orphanet 130, MedGen C1142166, MONDO:0015263.

Allele frequency attached by ClinVar (database versions not stated): gnomAD 0.00005.

Submission:

Labcorp Genetics (formerly Invitae), Labcorp
Classification: Uncertain significance for Brugada syndrome. Last evaluated: 2024-12-12. Review status: criteria provided, single submitter. Criteria: Invitae Variant Classification Sherloc (09022015). Collection method: clinical testing. Allele origin: germline.
Comment: This sequence change replaces arginine, which is basic and polar, with histidine, which is basic and polar, at codon 85 of the KCNE5 protein (p.Arg85His). The frequency data for this variant in the population databases is considered unreliable, as metrics indicate poor data quality at this position in the gnomAD database. This missense change has been observed in individual(s) with atrial fibrillation (PMID: 24144883, 33950154). It has also been observed to segregate with disease in related individuals. ClinVar contains an entry for this variant (Variation ID: 2712325). An algorithm developed to predict the effect of missense changes on protein structure and function (PolyPhen-2) suggests that this variant is likely to be disruptive. In summary, the available evidence is currently insufficient to determine the role of this variant in disease. Therefore, it has been classified as a Variant of Uncertain Significance.

Literature cited by the submitters: PubMed 24144883; PubMed 33950154.